The following is an entry in ClinVar:

NM_005633.4(SOS1):c.267T>A (p.Asp89Glu)

Gene: SOS1 (SOS Ras/Rac guanine nucleotide exchange factor 1; minus strand). Cytogenetic location: 2p22.1.
Variant type: single nucleotide variant.
Coding change: c.267T>A on transcript NM_005633.4 (MANE Select); coding-DNA position 267, T replaced by A.
Protein change: p.Asp89Glu; replaces aspartic acid 89 with glutamic acid.
Molecular consequence: missense variant.
Genome position (GRCh38, 1-based): chr2:39,058,751, A>T on the plus strand (T>A on the coding strand, the complement: SOS1 is on the minus strand). VCF-style: chr2-39058751-A-T. GRCh37 (hg19) VCF-style: chr2-39285892-A-T.
Other names: c.246T>A, p.Asp82Glu (NM_001382394.1); c.267T>A, p.Asp89Glu (NM_001382395.1); short protein forms D89E, D82E.
Identifiers: ClinVar variation 1467446 (VCV001467446.8), dbSNP rs2124610871, ClinGen allele CA346373946.

ClinVar aggregate classification (germline): Uncertain significance (1 of 4 stars; one submission).

Conditions:
RASopathy. Also called: rasopathies; Noonan spectrum disorder. Identifiers: Orphanet 536391, MedGen C5555857, MONDO:0021060.

Submission:

Labcorp Genetics (formerly Invitae), Labcorp
Classification: Uncertain significance for RASopathy. Last evaluated: 2021-06-05. Review status: criteria provided, single submitter. Criteria: Invitae Variant Classification Sherloc (09022015). Collection method: clinical testing. Allele origin: germline.
Comment: In summary, the available evidence is currently insufficient to determine the role of this variant in disease. Therefore, it has been classified as a Variant of Uncertain Significance. This sequence change replaces aspartic acid with glutamic acid at codon 89 of the SOS1 protein (p.Asp89Glu). The aspartic acid residue is moderately conserved and there is a small physicochemical difference between aspartic acid and glutamic acid. This variant is not present in population databases (ExAC no frequency). This variant has not been reported in the literature in individuals with SOS1-related conditions. Advanced modeling of protein sequence and biophysical properties (such as structural, functional, and spatial information, amino acid conservation, physicochemical variation, residue mobility, and thermodynamic stability) performed at Invitae indicates that this missense variant is expected to disrupt SOS1 protein function.